The following is an entry in ClinVar:

NM_000478.6(ALPL):c.422C>A (p.Thr141Asn)

Gene: ALPL (alkaline phosphatase, biomineralization associated; plus strand). Cytogenetic location: 1p36.12.
Variant type: single nucleotide variant.
Coding change: c.422C>A on transcript NM_000478.6 (MANE Select); coding-DNA position 422, C replaced by A.
Protein change: p.Thr141Asn; replaces threonine 141 with asparagine.
Molecular consequence: missense variant.
Genome position (GRCh38, 1-based): chr1:21,563,234, C>A. VCF-style: chr1-21563234-C-A. GRCh37 (hg19) VCF-style: chr1-21889727-C-A.
Other names: c.257C>A, p.Thr86Asn (NM_001127501.4); c.191C>A, p.Thr64Asn (NM_001177520.3); c.422C>A, p.Thr141Asn (NM_001369803.2, NM_001369804.2, NM_001369805.2); short protein forms T141N, T86N, T64N.
Identifiers: ClinVar variation 551980 (VCV000551980.13), dbSNP rs916300043, ClinGen allele CA338877301.

ClinVar aggregate classification (germline): Pathogenic/Likely pathogenic. Review status: criteria provided, multiple submitters, no conflicts (2 of 4 stars). 6 submissions from 6 submitters: Pathogenic (1); Likely pathogenic (4). 1 of the submissions does not count toward it. Last evaluated 2025-08-29.

Conditions:
ALPL-related disorder. Also called: ALPL-related disorders; ALPL-related condition.
Infantile hypophosphatasia. Identifiers: Orphanet 247651, Orphanet 436, MedGen C0268412, MONDO:1010169, OMIM 241500, MONDO:0009427.
Hypophosphatasia. Also called: Phosphoethanol-aminuria. Identifiers: Orphanet 436, MedGen C0020630, MeSH D007014, MONDO:0018570.
Adult hypophosphatasia. Identifiers: Orphanet 247676, Orphanet 436, MedGen C0268413, MONDO:1010154, OMIM 146300, MONDO:0007798.

gnomAD v4.1: 3 of 1,613,806 alleles (0.00019%); highest among the groups gnomAD compares: Non-Finnish European, 0.00025%; no homozygotes.

Submissions (6):

Genomenon, Inc
Classification: Likely pathogenic for Hypophosphatasia. Last evaluated: 2025-08-29. Review status: criteria provided, single submitter. Criteria: Genomenon Sequence Variant Interpretation Standards. Collection method: curation. Allele origin: germline. Affected: yes.
Comment: ALPL c.422C>A is a missense variant that changes the amino acid at residue 141 from Threonine to Asparagine. This variant has been observed in at least one proband affected with hypophosphatasia (PMID:33191482;25731960;29724887). The variant was found to segregate with disease in at least one affected family (PMID:29724887). It is absent or not present at a significant frequency in gnomAD. In silico models agree that this variant is possibly or probably damaging. In conclusion, we classify ALPL p.Thr141Asn (c.422C>A) as a likely pathogenic variant.

Women's Health and Genetics/Laboratory Corporation of America, LabCorp
Classification: Likely pathogenic for Hypophosphatasia. Last evaluated: 2025-04-15. Review status: criteria provided, single submitter. Criteria: LabCorp Variant Classification Summary - May 2015. Collection method: clinical testing. Allele origin: germline.
Comment: Variant summary: ALPL c.422C>A (p.Thr141Asn) results in a non-conservative amino acid change in the encoded protein sequence. Four of five in-silico tools predict a damaging effect of the variant on protein function. The variant was absent in 250596 control chromosomes (gnomAD). c.422C>A has been observed in individuals affected with Hypophosphatasia (e.g., Whyte_2015, Xu_2018, Li_2020, Schidt_2023). These data indicate that the variant is likely to be associated with disease. To our knowledge, no experimental evidence demonstrating an impact on protein function has been reported. The following publications have been ascertained in the context of this evaluation (PMID: 25731960, 29724887, 32112990, 33827627, 32351759, 37147467). ClinVar contains an entry for this variant (Variation ID: 551980). Based on the evidence outlined above, the variant was classified as likely pathogenic.

Blueprint Genetics
Classification: Likely pathogenic for ALPL-related disorders. Last evaluated: 2024-10-01. Review status: criteria provided, single submitter. Criteria: ACMG Guidelines, 2015. Collection method: clinical testing. Allele origin: germline. Affected: yes. Observed: 1 variant allele.

Baylor Genetics
Classification: Likely pathogenic for Adult hypophosphatasia. Last evaluated: 2024-01-25. Review status: criteria provided, single submitter. Criteria: ACMG Guidelines, 2015. Collection method: clinical testing. Allele origin: unknown.

Labcorp Genetics (formerly Invitae), Labcorp
Classification: Pathogenic. Last evaluated: 2022-11-07. Review status: criteria provided, single submitter. Criteria: Invitae Variant Classification Sherloc (09022015). Collection method: clinical testing. Allele origin: germline.
Comment: This variant is not present in population databases (gnomAD no frequency). This missense change has been observed in individual(s) with hypophosphatasia (PMID: 25731960). ClinVar contains an entry for this variant (Variation ID: 551980). Advanced modeling of protein sequence and biophysical properties (such as structural, functional, and spatial information, amino acid conservation, physicochemical variation, residue mobility, and thermodynamic stability) performed at Invitae indicates that this missense variant is expected to disrupt ALPL protein function. This sequence change replaces threonine, which is neutral and polar, with asparagine, which is neutral and polar, at codon 141 of the ALPL protein (p.Thr141Asn). This variant disrupts the p.Thr141 amino acid residue in ALPL. Other variant(s) that disrupt this residue have been determined to be pathogenic (PMID: 32160374, 32811521; Invitae). This suggests that this residue is clinically significant, and that variants that disrupt this residue are likely to be disease-causing. For these reasons, this variant has been classified as Pathogenic.

Counsyl
Classification: Uncertain significance for Infantile hypophosphatasia. Last evaluated: 2017-05-12. Review status: no assertion criteria provided. Collection method: clinical testing. Allele origin: unknown. Not counted in ClinVar's aggregate classification.

Literature cited by the submitters: PubMed 33191482 (cited by Genomenon, Inc); PubMed 25731960 (cited by 4 submitters); PubMed 29724887 (cited by Genomenon, Inc and Women's Health and Genetics/Laboratory Corporation of America, LabCorp); PubMed 33827627 (cited by Women's Health and Genetics/Laboratory Corporation of America, LabCorp); PubMed 32112990 (cited by Women's Health and Genetics/Laboratory Corporation of America, LabCorp); PubMed 37147467 (cited by Women's Health and Genetics/Laboratory Corporation of America, LabCorp); PubMed 32351759 (cited by Women's Health and Genetics/Laboratory Corporation of America, LabCorp); PubMed 32160374 (cited by Labcorp Genetics (formerly Invitae), Labcorp); PubMed 32811521 (cited by Labcorp Genetics (formerly Invitae), Labcorp).